The following is an entry in ClinVar:

ClinVar aggregate classification (germline): Uncertain significance. Review status: criteria provided, multiple submitters, no conflicts (2 of 4 stars). 2 submissions from 2 submitters: Uncertain significance (2). Last evaluated 2024-12-07.

Conditions:
Inborn genetic diseases. Identifiers: MedGen C0950123, MeSH D030342.

Allele frequency attached by ClinVar (database versions not stated): ExAC 0.00002; gnomAD 0.00005; TOPMed 0.00005; ESP Exome Variant Server 0.00008; 1000 Genomes Project 0.00020; 1000 Genomes Project 30x 0.00031.
gnomAD v4.1: 11 of 1,614,234 alleles (0.00068%); highest among the groups gnomAD compares: African/African-American, 0.015%; no homozygotes.

Submissions (2):

Ambry Genetics
Classification: Uncertain significance for Inborn genetic diseases. Last evaluated: 2024-12-07. Review status: criteria provided, single submitter. Criteria: Ambry Variant Classification Scheme 2023. Collection method: clinical testing. Allele origin: germline.

Labcorp Genetics (formerly Invitae), Labcorp
Classification: Uncertain significance. Last evaluated: 2024-03-27. Review status: criteria provided, single submitter. Criteria: Invitae Variant Classification Sherloc (09022015). Collection method: clinical testing. Allele origin: germline.
Comment: This sequence change replaces cysteine, which is neutral and slightly polar, with glycine, which is neutral and non-polar, at codon 793 of the MYH3 protein (p.Cys793Gly). This variant is present in population databases (rs374382907, gnomAD 0.01%). This variant has not been reported in the literature in individuals affected with MYH3-related conditions. Advanced modeling of protein sequence and biophysical properties (such as structural, functional, and spatial information, amino acid conservation, physicochemical variation, residue mobility, and thermodynamic stability) performed at Invitae indicates that this missense variant is not expected to disrupt MYH3 protein function with a negative predictive value of 95%. In summary, the available evidence is currently insufficient to determine the role of this variant in disease. Therefore, it has been classified as a Variant of Uncertain Significance.

NM_002470.4(MYH3):c.2377T>G (p.Cys793Gly)

Gene: MYH3 (myosin heavy chain 3; minus strand). Cytogenetic location: 17p13.1.
Variant type: single nucleotide variant.
Coding change: c.2377T>G on transcript NM_002470.4 (MANE Select); coding-DNA position 2377, T replaced by G.
Protein change: p.Cys793Gly; replaces cysteine 793 with glycine.
Molecular consequence: missense variant.
Genome position (GRCh38, 1-based): chr17:10,640,382, A>C on the plus strand (T>G on the coding strand, the complement: MYH3 is on the minus strand). VCF-style: chr17-10640382-A-C. GRCh37 (hg19) VCF-style: chr17-10543699-A-C.
Other names: c.2377T>G (NM_002470.3); short protein forms C793G.
Identifiers: ClinVar variation 2992518 (VCV002992518.4), dbSNP rs374382907, ClinGen allele CA8392778.